The following is an entry in ClinVar:

ClinVar aggregate classification (germline): Conflicting classifications of pathogenicity. Review status: criteria provided, conflicting classifications (1 of 4 stars). 6 submissions from 6 submitters: Uncertain significance (4); Likely benign (1). 1 of the submissions does not count toward it. Last evaluated 2025-05-20.

Conditions:
Collagen 6-related myopathy. Identifiers: MedGen CN117976, MONDO:0100225.
Bethlem myopathy 1A. Also called: MYOPATHY, BENIGN CONGENITAL, WITH CONTRACTURES; Bethlem myopathy 1; Bethlem Muscular Dystrophy. Identifiers: Orphanet 610, MedGen CN029274, MONDO:0024530, OMIM 158810.
COL6A2-related disorder.

Allele frequency attached by ClinVar (database versions not stated): gnomAD exomes 0.00003 and 0.00005; ExAC 0.00004; gnomAD 0.00006 and 0.00009; TOPMed 0.00008; 1000 Genomes Project 30x 0.00016; 1000 Genomes Project 0.00020.
gnomAD v4.1: 67 of 1,606,582 alleles (0.0042%); highest among the groups gnomAD compares: Admixed American, 0.018%; no homozygotes.

Submissions (6):

Mayo Clinic Laboratories, Mayo Clinic
Classification: Uncertain significance. Last evaluated: 2025-05-20. Review status: criteria provided, single submitter. Criteria: ACMG Guidelines, 2015. Collection method: clinical testing. Allele origin: germline. Observed: 1 variant allele.
Comment: BP4

Women's Health and Genetics/Laboratory Corporation of America, LabCorp
Classification: Uncertain significance. Last evaluated: 2025-05-20. Review status: criteria provided, single submitter. Criteria: LabCorp Variant Classification Summary - May 2015. Collection method: clinical testing. Allele origin: germline.
Comment: Variant summary: COL6A2 c.2978G>A (p.Arg993His) results in a non-conservative amino acid change in the encoded protein sequence. Algorithms developed to predict the effect of missense changes on protein structure and function are either unavailable or do not agree on the potential impact of this missense change. The variant allele was found at a frequency of 5e-05 in 240396 control chromosomes (gnomAD). This frequency is not significantly higher than estimated for a pathogenic variant in COL6A2 causing Ullrich congenital muscular dystrophy 1-AR (5e-05 vs 0.0035), allowing no conclusion about variant significance. c.2978G>A has been reported as a de novo variant in at least one individual affected with Bethlem myopathy (Inoue_2021). These data do not allow any conclusion about variant significance. The following publication has been ascertained in the context of this evaluation (PMID: 34167565). To our knowledge, no experimental evidence demonstrating an impact on protein function has been reported. ClinVar contains an entry for this variant (Variation ID: 340386). Based on the evidence outlined above, the variant was classified as VUS-possibly pathogenic.

Labcorp Genetics (formerly Invitae), Labcorp
Classification: Uncertain significance for Bethlem myopathy 1A. Last evaluated: 2024-07-23. Review status: criteria provided, single submitter. Criteria: Invitae Variant Classification Sherloc (09022015). Collection method: clinical testing. Allele origin: germline.
Comment: This sequence change replaces arginine, which is basic and polar, with histidine, which is basic and polar, at codon 993 of the COL6A2 protein (p.Arg993His). This variant is present in population databases (rs544436881, gnomAD 0.02%). This missense change has been observed in individual(s) with autosomal dominant Bethlem myopathy (PMID: 34167565). ClinVar contains an entry for this variant (Variation ID: 340386). Advanced modeling of protein sequence and biophysical properties (such as structural, functional, and spatial information, amino acid conservation, physicochemical variation, residue mobility, and thermodynamic stability) performed at Invitae indicates that this missense variant is not expected to disrupt COL6A2 protein function with a negative predictive value of 80%. In summary, the available evidence is currently insufficient to determine the role of this variant in disease. Therefore, it has been classified as a Variant of Uncertain Significance.

Revvity Omics, Revvity
Classification: Uncertain significance. Last evaluated: 2020-10-28. Review status: criteria provided, single submitter. Criteria: ACMG Guidelines, 2015. Collection method: clinical testing. Allele origin: germline.

Illumina Laboratory Services, Illumina
Classification: Likely benign for Collagen VI-related myopathy. Last evaluated: 2018-01-13. Review status: criteria provided, single submitter. Criteria: ICSL Variant Classification Criteria 13 December 2019. Collection method: clinical testing. Allele origin: germline.
Comment: This variant was observed in the ICSL laboratory as part of a predisposition screen in an ostensibly healthy population. It had not been previously curated by ICSL or reported in the Human Gene Mutation Database (HGMD: prior to June 1st, 2018), and was therefore a candidate for classification through an automated scoring system. Utilizing variant allele frequency, disease prevalence and penetrance estimates, and inheritance mode, an automated score was calculated to assess if this variant is too frequent to cause the disease. Based on the score and internal cut-off values, a variant classified as likely benign is not then subjected to further curation. The score for this variant resulted in a classification of likely benign for this disease.

PreventionGenetics, part of Exact Sciences
Classification: Uncertain significance for COL6A2-related condition. Last evaluated: 2024-03-11. Review status: no assertion criteria provided. Collection method: clinical testing. Allele origin: germline. Not counted in ClinVar's aggregate classification.
Comment: The COL6A2 c.2978G>A variant is predicted to result in the amino acid substitution p.Arg993His. This variant was reported to occur de novo in an individual with Bethlem myopathy (Inoue et al 2021. PubMed ID: 34167565). However, this variant is also reported in 0.020% of alleles in individuals of South Asian descent in gnomAD and may be too common for an autosomal dominant, pathogenic variant. At this time, the clinical significance of this variant is uncertain due to the absence of conclusive functional and genetic evidence.

Literature cited by the submitters: PubMed 34167565 (cited by 3 submitters).

NM_001849.4(COL6A2):c.2978G>A (p.Arg993His)

Gene: COL6A2 (collagen type VI alpha 2 chain; plus strand). Cytogenetic location: 21q22.3.
Variant type: single nucleotide variant.
Coding change: c.2978G>A on transcript NM_001849.4 (MANE Select); coding-DNA position 2978, G replaced by A.
Protein change: p.Arg993His; replaces arginine 993 with histidine.
Molecular consequence: missense variant.
Genome position (GRCh38, 1-based): chr21:46,132,470, G>A. VCF-style: chr21-46132470-G-A. GRCh37 (hg19) VCF-style: chr21-47552384-G-A.
Other names: p.Arg993His; short protein forms R993H.
Identifiers: ClinVar variation 340386 (VCV000340386.19), dbSNP rs544436881, ClinGen allele CA10073123.